The following is an entry in ClinVar:

ClinVar aggregate classification (germline): Conflicting classifications of pathogenicity. Review status: criteria provided, conflicting classifications (1 of 4 stars). 2 submissions from 2 submitters: Uncertain significance (1); Benign (1). Last evaluated 2025-08-24.

Allele frequency attached by ClinVar (database versions not stated): ExAC 0.00021; gnomAD 0.00029; 1000 Genomes Project 30x 0.00094; 1000 Genomes Project 0.00140.
gnomAD v4.1: 266 of 1,587,048 alleles (0.017%); highest among the groups gnomAD compares: Middle Eastern, 0.17%; 29 homozygotes.

Submissions (2):

Ambry Genetics
Classification: Uncertain significance. Last evaluated: 2025-08-24. Review status: criteria provided, single submitter. Criteria: Ambry Variant Classification Scheme 2023. Collection method: clinical testing. Allele origin: germline.

CeGaT Center for Human Genetics Tuebingen
Classification: Benign. Last evaluated: 2024-05-01. Review status: criteria provided, single submitter. Criteria: CeGaT Center For Human Genetics Tuebingen Variant Classification Criteria Version 2. Collection method: clinical testing. Allele origin: germline. Affected: yes. Observed: 2 variant alleles.
Comment: AHNAK2: BP4, BS1, BS2

NM_138420.4(AHNAK2):c.6029C>T (p.Ser2010Leu)

Gene: AHNAK2 (AHNAK nucleoprotein 2; minus strand). Cytogenetic location: 14q32.33.
Variant type: single nucleotide variant.
Coding change: c.6029C>T on transcript NM_138420.4 (MANE Select); coding-DNA position 6029, C replaced by T.
Protein change: p.Ser2010Leu; replaces serine 2010 with leucine.
Molecular consequence: missense variant.
Genome position (GRCh38, 1-based): chr14:104,949,422, G>A on the plus strand (C>T on the coding strand, the complement: AHNAK2 is on the minus strand). VCF-style: chr14-104949422-G-A. GRCh37 (hg19) VCF-style: chr14-105415759-G-A.
Other names: c.5729C>T, p.Ser1910Leu (NM_001350929.2); c.6029C>T (NM_138420.2); short protein forms S1910L, S2010L.
Identifiers: ClinVar variation 2644764 (VCV002644764.25), dbSNP rs201899110, ClinGen allele CA7381387.
Genomic context (GRCh38, chr14:104,949,422, plus strand): 5'-TCCCCCTGCATGGAGGGGAGACTCACGTCGGCCTCCACCTTGGGTGCAGGCACATCCACC[G>A]AGGCCTCGATGGACCTCCCTGGGGCCGATACCCCGAACGACGGCATCTTGAATTTGGGCA-3'
Protein context (NP_612429.2, residues 2000-2020): VSAPGRSIEA[Ser2010Leu]VDVPAPKVEA